The following is an entry in ClinVar:

NM_182746.3(MCM4):c.1569G>A (p.Val523=)

Gene: MCM4 (minichromosome maintenance complex component 4; plus strand). Cytogenetic location: 8q11.21.
Variant type: single nucleotide variant.
Coding change: c.1569G>A on transcript NM_182746.3 (MANE Select); coding-DNA position 1569, G replaced by A.
Protein change: p.Val523=; no amino-acid change (valine 523 retained).
Molecular consequence: synonymous variant.
Genome position (GRCh38, 1-based): chr8:47,970,645, G>A. VCF-style: chr8-47970645-G-A. GRCh37 (hg19) VCF-style: chr8-48883205-G-A.
Other names: c.1569G>A, p.Val523= (NM_005914.4, LRG_1239t1).
Identifiers: ClinVar variation 363233 (VCV000363233.15), dbSNP rs765660789, ClinGen allele CA4742650.

ClinVar aggregate classification (germline): Benign/Likely benign. Review status: criteria provided, multiple submitters, no conflicts (2 of 4 stars). 3 submissions from 3 submitters: Benign (1); Likely benign (2). Last evaluated 2026-02-01.

Conditions:
Primary immunodeficiency with natural-killer cell deficiency and adrenal insufficiency (IMD54). Also called: Natural killer cell and glucocorticoid deficiency with DNA repair defect; IMMUNODEFICIENCY 54. Identifiers: Orphanet 75391, MedGen C1864947, MONDO:0012383, OMIM 609981.

Allele frequency attached by ClinVar (database versions not stated): gnomAD exomes 0.00021 and 0.00109; TOPMed 0.00028; ExAC 0.00080.
gnomAD v4.1: 326 of 1,614,050 alleles (0.02%); highest among the groups gnomAD compares: Admixed American, 0.54%; no homozygotes.

Submissions (3):

Labcorp Genetics (formerly Invitae), Labcorp
Classification: Benign. Last evaluated: 2026-02-01. Review status: criteria provided, single submitter. Criteria: Invitae Variant Classification Sherloc (09022015). Collection method: clinical testing. Allele origin: germline.

Blueprint Genetics
Classification: Likely benign. Last evaluated: 2024-10-02. Review status: criteria provided, single submitter. Criteria: ACMG Guidelines, 2015. Collection method: clinical testing. Allele origin: germline.

Illumina Laboratory Services, Illumina
Classification: Likely benign for Primary immunodeficiency with natural-killer cell deficiency and adrenal insufficiency. Last evaluated: 2018-01-13. Review status: criteria provided, single submitter. Criteria: ICSL Variant Classification Criteria 13 December 2019. Collection method: clinical testing. Allele origin: germline.
Comment: This variant was observed in the ICSL laboratory as part of a predisposition screen in an ostensibly healthy population. It had not been previously curated by ICSL or reported in the Human Gene Mutation Database (HGMD: prior to June 1st, 2018), and was therefore a candidate for classification through an automated scoring system. Utilizing variant allele frequency, disease prevalence and penetrance estimates, and inheritance mode, an automated score was calculated to assess if this variant is too frequent to cause the disease. Based on the score and internal cut-off values, a variant classified as likely benign is not then subjected to further curation. The score for this variant resulted in a classification of likely benign for this disease.